The following is an entry in ClinVar:

NM_015100.4(POGZ):c.3935T>C (p.Ile1312Thr)

Gene: POGZ (pogo transposable element derived with ZNF domain; minus strand). Cytogenetic location: 1q21.3.
Variant type: single nucleotide variant.
Coding change: c.3935T>C on transcript NM_015100.4 (MANE Select); coding-DNA position 3935, T replaced by C.
Protein change: p.Ile1312Thr; replaces isoleucine 1312 with threonine.
Molecular consequence: missense variant.
Genome position (GRCh38, 1-based): chr1:151,405,100, A>G on the plus strand (T>C on the coding strand, the complement: POGZ is on the minus strand). VCF-style: chr1-151405100-A-G. GRCh37 (hg19) VCF-style: chr1-151377576-A-G.
Other names: c.3908T>C, p.Ile1303Thr (NM_001194937.2); c.3749T>C, p.Ile1250Thr (NM_001194938.2); c.3956T>C, p.Ile1319Thr (NM_001410860.1); c.3650T>C, p.Ile1217Thr (NM_145796.4); c.3776T>C, p.Ile1259Thr (NM_207171.2); short protein forms I1259T, I1217T, I1303T, I1312T, I1250T, I1319T.
Identifiers: ClinVar variation 3935490 (VCV003935490.2).

ClinVar aggregate classification (germline): Conflicting classifications of pathogenicity. Review status: criteria provided, conflicting classifications (1 of 4 stars). 2 submissions from 2 submitters: Uncertain significance (1); Likely benign (1). Last evaluated 2025-05-15.

Conditions:
Intellectual disability-microcephaly-strabismus-behavioral abnormalities syndrome. Also called: White-Sutton Syndrome. Identifiers: Orphanet 468678, MedGen C4225351, MONDO:0014606, OMIM 616364.
Inborn genetic diseases. Identifiers: MedGen C0950123, MeSH D030342.

gnomAD v4.1: 2 of 1,614,204 alleles (0.00012%); highest among the groups gnomAD compares: Non-Finnish European, 0.000085%; no homozygotes.

Submissions (2):

Ambry Genetics
Classification: Likely benign for Inborn genetic diseases. Last evaluated: 2025-05-15. Review status: criteria provided, single submitter. Criteria: Ambry Variant Classification Scheme 2023. Collection method: clinical testing. Allele origin: germline.

Laboratorio de Genetica e Diagnostico Molecular, Hospital Israelita Albert Einstein
Classification: Uncertain significance for Intellectual disability-microcephaly-strabismus-behavioral abnormalities syndrome. Last evaluated: 2025-04-11. Review status: criteria provided, single submitter. Criteria: ACMG Guidelines, 2015. Collection method: clinical testing. Allele origin: germline. Affected: yes.
Comment: ACMG classification criteria: PM2 supporting, PP2 supporting, BP4 supporting